The following is an entry in ClinVar:

NM_000051.4(ATM):c.6802A>T (p.Thr2268Ser)

Genes: ATM (ATM serine/threonine kinase; plus strand), C11orf65 (chromosome 11 open reading frame 65; minus strand). Cytogenetic location: 11q22.3.
Variant type: single nucleotide variant.
Coding change: c.6802A>T on transcript NM_000051.4 (MANE Select); coding-DNA position 6802, A replaced by T.
Protein change: p.Thr2268Ser; replaces threonine 2268 with serine.
Molecular consequence: missense variant. On other transcripts: intron variant (2).
Genome position (GRCh38, 1-based): chr11:108,325,539, A>T. VCF-style: chr11-108325539-A-T. GRCh37 (hg19) VCF-style: chr11-108196266-A-T.
Other names: c.6802A>T, p.Thr2268Ser (NM_001351834.2); c.641-16468T>A (NM_001330368.2); c.*38+9681T>A (NM_001351110.2); short protein forms T2268S.
Identifiers: ClinVar variation 1058270 (VCV001058270.9), dbSNP rs1391132040, ClinGen allele CA382555590.

ClinVar aggregate classification (germline): Uncertain significance (1 of 4 stars; one submission).

Conditions:
Ataxia-telangiectasia syndrome (AT). Also called: Ataxia telangiectasia (A-T); ATAXIA-TELANGIECTASIA, COMPLEMENTATION GROUP A; ATAXIA-TELANGIECTASIA, FRESNO VARIANT; Ataxia-telangiectasia; Ataxia-telangiectasia, complementation group E; LOUIS-BAR SYNDROME. Identifiers: Orphanet 100, MedGen C0004135, MONDO:0008840, OMIM 208900.

Submission:

Labcorp Genetics (formerly Invitae), Labcorp
Classification: Uncertain significance for Ataxia-telangiectasia syndrome. Last evaluated: 2020-03-09. Review status: criteria provided, single submitter. Criteria: Invitae Variant Classification Sherloc (09022015). Collection method: clinical testing. Allele origin: germline.
Comment: This variant is not present in population databases (ExAC no frequency). This sequence change replaces threonine with serine at codon 2268 of the ATM protein (p.Thr2268Ser). The threonine residue is moderately conserved and there is a small physicochemical difference between threonine and serine. This variant has not been reported in the literature in individuals with ATM-related conditions. In summary, the available evidence is currently insufficient to determine the role of this variant in disease. Therefore, it has been classified as a Variant of Uncertain Significance. Algorithms developed to predict the effect of missense changes on protein structure and function are either unavailable or do not agree on the potential impact of this missense change (SIFT: "Tolerated"; PolyPhen-2: "Possibly Damaging"; Align-GVGD: "Class C0").